The following is an entry in ClinVar:

NM_006785.4(MALT1):c.1551_1554del (p.Arg518fs)

Gene: MALT1 (MALT1 paracaspase; plus strand). Cytogenetic location: 18q21.32.
Variant type: Deletion.
Coding change: c.1551_1554del on transcript NM_006785.4 (MANE Select); coding-DNA positions 1551 to 1554, 4 bases deleted (CAGA; older notation c.1551_1554delCAGA).
Protein change: p.Arg518fs; shifts the reading frame from arginine 518.
Molecular consequence: frameshift variant.
Genome position (GRCh38, 1-based): chr18:58,735,277-58,735,280, CAGA deleted; deleting any 4 consecutive bases within chr18:58,735,274-58,735,280 gives the same sequence; the c. name uses the placement nearest the transcript's 3' end. VCF-style (leftmost placement, unchanged base first): chr18-58735273-AAGAC-A. GRCh37 (hg19) VCF-style: chr18-56402505-AAGAC-A.
Other names: c.1518_1521del, p.Arg507fs (NM_173844.3); short protein forms R507fs, R518fs.
Identifiers: ClinVar variation 2863299 (VCV002863299.3), dbSNP rs2511556556, ClinGen allele CA2641989581.

ClinVar aggregate classification (germline): Pathogenic (1 of 4 stars; one submission).

Conditions:
Combined immunodeficiency due to MALT1 deficiency. Also called: Immunodeficiency 12. Identifiers: Orphanet 397964, MedGen C3809583, MONDO:0014197, OMIM 615468.

Submission:

Labcorp Genetics (formerly Invitae), Labcorp
Classification: Pathogenic for Combined immunodeficiency due to MALT1 deficiency. Last evaluated: 2023-12-26. Review status: criteria provided, single submitter. Criteria: Invitae Variant Classification Sherloc (09022015). Collection method: clinical testing. Allele origin: germline.
Comment: This sequence change creates a premature translational stop signal (p.Arg518Tyrfs*2) in the MALT1 gene. It is expected to result in an absent or disrupted protein product. Loss-of-function variants in MALT1 are known to be pathogenic (PMID: 23727036, 25627829). This variant is not present in population databases (gnomAD no frequency). This variant has not been reported in the literature in individuals affected with MALT1-related conditions. For these reasons, this variant has been classified as Pathogenic.

Literature cited by the submitters: PubMed 23727036; PubMed 25627829.